The following is an entry in ClinVar:

ClinVar aggregate classification (germline): Uncertain significance (3 of 4 stars; one submission).

Conditions:
Hereditary thrombocytopenia and hematologic cancer predisposition syndrome. Identifiers: Orphanet 71290, MedGen CN281654, MONDO:0011071.

Submission:

ClinGen Myeloid Malignancy Variant Curation Expert Panel
Classification: Uncertain significance for Hereditary thrombocytopenia and hematologic cancer predisposition syndrome. Last evaluated: 2025-01-15. Review status: reviewed by expert panel. Criteria: ClinGen MyeloMalig ACMG Specifications v2. Collection method: curation. Allele origin: germline. Inheritance: Autosomal dominant inheritance.
Comment: NM_001754.5(RUNX1):c.*2594_*2597del is a UTR variant which is completely absent from all population databases with at least 20x coverage for RUNX1 (PM2_Supporting). In summary, the clinical significance of this variant is uncertain. ACMG/AMP criteria applied, as specified by the Myeloid Malignancy Variant Curation Expert Panel for RUNX1: PM2_supporting.

NM_001754.5(RUNX1):c.*2594_*2597del

Gene: RUNX1 (RUNX family transcription factor 1; minus strand). Cytogenetic location: 21q22.12.
Variant type: Deletion.
Coding change: c.*2594_*2597del on transcript NM_001754.5 (MANE Select); 2594 bases downstream of the stop codon through 2597 bases downstream of the stop codon, 4 bases deleted (TATT; older notation c.*2594_*2597delTATT).
Molecular consequence: 3 prime UTR variant.
Genome position (GRCh38, 1-based): chr21:34,789,538-34,789,541, AATA deleted on the plus strand (TATT on the coding strand, the reverse complement: RUNX1 is on the minus strand); deleting any 4 consecutive bases within chr21:34,789,538-34,789,543 gives the same sequence; the c. name uses the placement nearest the transcript's 3' end. VCF-style (leftmost placement, unchanged base first): chr21-34789537-GAATA-G. GRCh37 (hg19) VCF-style: chr21-36161834-GAATA-G.
Other names: c.*2594_*2597del (NM_001001890.3).
Identifiers: ClinVar variation 339826 (VCV000339826.6), dbSNP rs886057036, ClinGen allele CA10644626.
Genomic context (GRCh38, chr21:34,789,537, plus strand): 5'-GCAGTTATTACATGATTGGCTTAAGGGTCTCATTGATACCTTAACTTTCCTGAGGGCAAT[GAATA>G]AAAAGATACCTTAATCTACCTGAAGTCAATGAATGCAATTTTTCACACACACACACACAC-3'